The following is an entry in ClinVar:

NM_003079.5(SMARCE1):c.1052C>T (p.Thr351Ile)

Gene: SMARCE1 (SWI/SNF related BAF chromatin remodeling complex subunit E1; minus strand). Cytogenetic location: 17q21.2.
Variant type: single nucleotide variant.
Coding change: c.1052C>T on transcript NM_003079.5 (MANE Select); coding-DNA position 1052, C replaced by T.
Protein change: p.Thr351Ile; replaces threonine 351 with isoleucine.
Molecular consequence: missense variant.
Genome position (GRCh38, 1-based): chr17:40,628,969, G>A on the plus strand (C>T on the coding strand, the complement: SMARCE1 is on the minus strand). VCF-style: chr17-40628969-G-A. GRCh37 (hg19) VCF-style: chr17-38785221-G-A.
Other names: short protein forms T351I.
Identifiers: ClinVar variation 822081 (VCV000822081.4), dbSNP rs932391748, ClinGen allele CA290547604.
Genomic context (GRCh38, chr17:40,628,969, plus strand): 5'-TGCCCACTCTCCTTGTCCTCAGGAGTAGACGTGCCTTCTTCACCATTCTGTTGGCTCTCT[G>A]TTGTTTCTTCAAGGTGTGTCTCCTCTGTAATCACACATTTGTCACTGTCAGTTCCAAGAT-3'
Protein context (NP_003070.3, residues 341-361): ETEETHLEET[Thr351Ile]ESQQNGEEGT

ClinVar aggregate classification (germline): Uncertain significance (1 of 4 stars; one submission).

Conditions:
Hereditary cancer-predisposing syndrome. Also called: Tumor predisposition; Hereditary Cancer Syndrome; Neoplastic Syndromes, Hereditary; Hereditary neoplastic syndrome. Identifiers: Orphanet 140162, MedGen C0027672, MeSH D009386, MONDO:0015356.

Submission:

Ambry Genetics
Classification: Uncertain significance for Hereditary cancer-predisposing syndrome. Last evaluated: 2018-09-04. Review status: criteria provided, single submitter. Criteria: Ambry Variant Classification Scheme 2023. Collection method: clinical testing. Allele origin: germline.
Comment: The p.T351I variant (also known as c.1052C>T), located in coding exon 10 of the SMARCE1 gene, results from a C to T substitution at nucleotide position 1052. The threonine at codon 351 is replaced by isoleucine, an amino acid with similar properties. This amino acid position is not well conserved in available vertebrate species. In addition, this alteration is predicted to be tolerated by in silico analysis. Since supporting evidence is limited at this time, the clinical significance of this alteration remains unclear.